The following is an entry in ClinVar:

NM_002839.4(PTPRD):c.1339C>G (p.Gln447Glu)

Gene: PTPRD (protein tyrosine phosphatase receptor type D; minus strand). Cytogenetic location: 9p24.1.
Variant type: single nucleotide variant.
Coding change: c.1339C>G on transcript NM_002839.4 (MANE Select); coding-DNA position 1339, C replaced by G.
Protein change: p.Gln447Glu; replaces glutamine 447 with glutamic acid.
Molecular consequence: missense variant.
Genome position (GRCh38, 1-based): chr9:8,518,052, G>C on the plus strand (C>G on the coding strand, the complement: PTPRD is on the minus strand). VCF-style: chr9-8518052-G-C. GRCh37 (hg19) VCF-style: chr9-8518052-G-C.
Other names: c.1330C>G, p.Gln444Glu (NM_001040712.2, NM_001377947.1); c.1309C>G, p.Gln437Glu (NM_001171025.2); c.1321C>G, p.Gln441Glu (NM_001377946.1, NM_130393.3); c.1339C>G, p.Gln447Glu (NM_001377958.1, NM_001378058.1, NM_130391.4 and 1 more transcripts); short protein forms Q437E, Q441E, Q444E, Q447E.
Identifiers: ClinVar variation 1240532 (VCV001240532.5), dbSNP rs10977171, ClinGen allele CA4984546.

ClinVar aggregate classification (germline): Benign. Review status: criteria provided, multiple submitters, no conflicts (2 of 4 stars). 3 submissions from 3 submitters: Benign (2). 1 of the submissions does not count toward it. Last evaluated 2019-01-11.

Conditions:
PTPRD-related disorder. Also called: PTPRD-related condition.

Allele frequency attached by ClinVar (database versions not stated): gnomAD 0.03097 and 0.03377; ESP Exome Variant Server 0.03237; TOPMed 0.03421; gnomAD exomes 0.04531 and 0.04552; ExAC 0.04614; 1000 Genomes Project 30x 0.04934; 1000 Genomes Project 0.05092.
gnomAD v4.1: 71,445 of 1,614,142 alleles (4.4%); highest among the groups gnomAD compares: East Asian, 12%; 1,993 homozygotes.

Submissions (3):

GeneDx
Classification: Benign. Last evaluated: 2019-01-11. Review status: criteria provided, single submitter. Criteria: GeneDx Variant Classification Process June 2021. Collection method: clinical testing. Allele origin: germline. Affected: yes.
Comment: This variant is associated with the following publications: (PMID: 29767709)

Breakthrough Genomics
Classification: Benign. Review status: criteria provided, single submitter. Criteria: ACMG Guidelines, 2015. Collection method: not provided. Allele origin: germline. Inheritance: Unknown mechanism. Affected: yes.

PreventionGenetics, part of Exact Sciences
Classification: Benign for PTPRD-related condition. Last evaluated: 2019-06-24. Review status: no assertion criteria provided. Collection method: clinical testing. Allele origin: germline. Not counted in ClinVar's aggregate classification.
Comment: This variant is classified as benign based on ACMG/AMP sequence variant interpretation guidelines (Richards et al. 2015 PMID: 25741868, with internal and published modifications).